The following is an entry in ClinVar:

ClinVar aggregate classification (germline): Benign. Review status: criteria provided, multiple submitters, no conflicts (2 of 4 stars). 11 submissions from 9 submitters: Benign (11). Last evaluated 2026-02-04.

Conditions:
Lethal Kniest-like syndrome (DDSH). Also called: Dyssegmental Dysplasia. Identifiers: Orphanet 1865, MedGen C1857100, MONDO:0009140, OMIM 224410.
Schwartz-Jampel syndrome. Also called: Myotonic myopathy dwarfism chondrodystrophy and ocular and facial abnormalities. Identifiers: Orphanet 800, MedGen C0036391, MONDO:0009717.

Allele frequency attached by ClinVar (database versions not stated): 1000 Genomes Project 0.69149; 1000 Genomes Project 30x 0.69191; ESP Exome Variant Server 0.69914; gnomAD 0.70351 and 0.70428; TOPMed 0.70422; gnomAD exomes 0.73208; ExAC 0.74631.
gnomAD v4.1: 1,146,510 of 1,599,188 alleles (72%); highest among the groups gnomAD compares: East Asian, 89%; 413,470 homozygotes.

Submissions (11):

Labcorp Genetics (formerly Invitae), Labcorp
Classification: Benign. Last evaluated: 2026-02-04. Review status: criteria provided, single submitter. Criteria: Invitae Variant Classification Sherloc (09022015). Collection method: clinical testing. Allele origin: germline.

ARUP Laboratories, Molecular Genetics and Genomics, ARUP Laboratories
Classification: Benign. Last evaluated: 2025-07-22. Review status: criteria provided, single submitter. Criteria: ARUP Molecular Germline Variant Investigation Process 2024. Collection method: clinical testing. Allele origin: germline.

Blueprint Genetics
Classification: Benign. Last evaluated: 2024-11-26. Review status: criteria provided, single submitter. Criteria: ACMG Guidelines, 2015. Collection method: clinical testing. Allele origin: germline.

Genome-Nilou Lab
Classification: Benign for Lethal Kniest-like syndrome. Last evaluated: 2021-08-10. Review status: criteria provided, single submitter. Criteria: ACMG Guidelines, 2015. Collection method: clinical testing. Allele origin: germline. Affected: no.

Genome-Nilou Lab
Classification: Benign for Schwartz-Jampel syndrome type 1. Last evaluated: 2021-08-10. Review status: criteria provided, single submitter. Criteria: ACMG Guidelines, 2015. Collection method: clinical testing. Allele origin: germline. Affected: no.

Athena Diagnostics
Classification: Benign. Last evaluated: 2019-01-28. Review status: criteria provided, single submitter. Criteria: Athena Diagnostics Criteria. Collection method: clinical testing. Allele origin: germline.

GeneDx
Classification: Benign. Last evaluated: 2018-08-10. Review status: criteria provided, single submitter. Criteria: GeneDx Variant Classification Process June 2021. Collection method: clinical testing. Allele origin: germline. Affected: yes.

Illumina Laboratory Services, Illumina
Classification: Benign for Lethal Kniest-like syndrome. Last evaluated: 2018-01-13. Review status: criteria provided, single submitter. Criteria: ICSL Variant Classification Criteria 13 December 2019. Collection method: clinical testing. Allele origin: germline.
Comment: This variant was observed in the ICSL laboratory as part of a predisposition screen in an ostensibly healthy population. It had not been previously curated by ICSL or reported in the Human Gene Mutation Database (HGMD: prior to June 1st, 2018), and was therefore a candidate for classification through an automated scoring system. Utilizing variant allele frequency, disease prevalence and penetrance estimates, and inheritance mode, an automated score was calculated to assess if this variant is too frequent to cause the disease. Based on the score and internal cut-off values, a variant classified as benign is not then subjected to further curation. The score for this variant resulted in a classification of benign for this disease.

Illumina Laboratory Services, Illumina
Classification: Benign for Schwartz-Jampel syndrome type 1. Last evaluated: 2018-01-13. Review status: criteria provided, single submitter. Criteria: ICSL Variant Classification Criteria 13 December 2019. Collection method: clinical testing. Allele origin: germline.
Comment: the same text as in the submission from Illumina Laboratory Services, Illumina above.

Eurofins Ntd Llc (ga)
Classification: Benign. Last evaluated: 2016-09-20. Review status: criteria provided, single submitter. Criteria: EGL Classification Definitions 2015. Collection method: clinical testing. Allele origin: germline. Observed: 1 variant allele, 1 homozygote.

Breakthrough Genomics
Classification: Benign. Review status: criteria provided, single submitter. Criteria: ACMG Guidelines, 2015. Collection method: not provided. Allele origin: germline. Inheritance: Autosomal recessive inheritance. Affected: yes.

NM_005529.7(HSPG2):c.4508C>T (p.Ala1503Val)

Gene: HSPG2 (heparan sulfate proteoglycan 2; minus strand). Cytogenetic location: 1p36.12.
Variant type: single nucleotide variant.
Coding change: c.4508C>T on transcript NM_005529.7 (MANE Select); coding-DNA position 4508, C replaced by T.
Protein change: p.Ala1503Val; replaces alanine 1503 with valine.
Molecular consequence: missense variant.
Genome position (GRCh38, 1-based): chr1:21,864,961, G>A on the plus strand (C>T on the coding strand, the complement: HSPG2 is on the minus strand). VCF-style: chr1-21864961-G-A. GRCh37 (hg19) VCF-style: chr1-22191454-G-A.
Other names: c.4511C>T, p.Ala1504Val (NM_001291860.2); short protein forms A1503V, A1504V.
Identifiers: ClinVar variation 291236 (VCV000291236.38), dbSNP rs897471, ClinGen allele CA672251.
Genomic context (GRCh38, chr1:21,864,961, plus strand): 5'-CGGGGTCTGTTTGAGGGCCCCGGCTGGGCGACCTCCAGGCTGACTGCGCTGATGCTGGCC[G>A]CCAGCGGCACGGAGGAGAACGTGGCCCGGATCAGGAGCTCATCCAGGTCGGCCAGTGCCA-3'
Protein context (NP_005520.4, residues 1493-1513): IRATFSSVPL[Ala1503Val]ASISAVSLEV